The following is an entry in ClinVar:

ClinVar aggregate classification (germline): Uncertain significance (1 of 4 stars; one submission).

Conditions:
Inborn genetic diseases. Identifiers: MedGen C0950123, MeSH D030342.

Allele frequency attached by ClinVar (database versions not stated): gnomAD exomes below 0.00001.
gnomAD v4.1: 1 of 1,614,166 alleles (0.000062%); highest among the groups gnomAD compares: Non-Finnish European, 0.000085%; no homozygotes.

Submission:

Ambry Genetics
Classification: Uncertain significance for Inborn genetic diseases. Last evaluated: 2021-12-03. Review status: criteria provided, single submitter. Criteria: Ambry Variant Classification Scheme 2023. Collection method: clinical testing. Allele origin: germline.
Comment: The p.C2436Y variant (also known as c.7307G>A), located in coding exon 40 of the SPG11 gene, results from a G to A substitution at nucleotide position 7307. The cysteine at codon 2436 is replaced by tyrosine, an amino acid with highly dissimilar properties. This amino acid position is conserved. In addition, the in silico prediction for this alteration is inconclusive. Since supporting evidence is limited at this time, the clinical significance of this alteration remains unclear.

NM_025137.4(SPG11):c.7307G>A (p.Cys2436Tyr)

Gene: SPG11 (SPG11 vesicle trafficking associated, spatacsin; minus strand). Cytogenetic location: 15q21.1.
Variant type: single nucleotide variant.
Coding change: c.7307G>A on transcript NM_025137.4 (MANE Select); coding-DNA position 7307, G replaced by A.
Protein change: p.Cys2436Tyr; replaces cysteine 2436 with tyrosine.
Molecular consequence: missense variant.
Genome position (GRCh38, 1-based): chr15:44,563,146, C>T on the plus strand (G>A on the coding strand, the complement: SPG11 is on the minus strand). VCF-style: chr15-44563146-C-T. GRCh37 (hg19) VCF-style: chr15-44855344-C-T.
Other names: c.6968G>A, p.Cys2323Tyr (NM_001160227.2); c.7163G>A, p.Cys2388Tyr (NM_001411132.1); short protein forms C2388Y, C2436Y, C2323Y.
Identifiers: ClinVar variation 1758227 (VCV001758227.2), dbSNP rs2505148108, ClinGen allele CA392209923.
Genomic context (GRCh38, chr15:44,563,146, plus strand): 5'-TAACAGTACAAGAAAACAGACACCTATGAAATCATCTAACCTGCTAGCATGTCCTTTAGA[C>T]AGCAACCTGTCTGAGGGTCCTTCAGAAGCACATTTACAATTTCATAAAACTTGTGTTCGT-3'
Protein context (NP_079413.3, residues 2426-2443): VLLKDPQTGC[Cys2436Tyr]LKDMLAG